The following is an entry in ClinVar:

NM_004370.6(COL12A1):c.3142A>G (p.Thr1048Ala)

Gene: COL12A1 (collagen type XII alpha 1 chain; minus strand). Cytogenetic location: 6q13.
Variant type: single nucleotide variant.
Coding change: c.3142A>G on transcript NM_004370.6 (MANE Select); coding-DNA position 3142, A replaced by G.
Protein change: p.Thr1048Ala; replaces threonine 1048 with alanine.
Molecular consequence: missense variant. On other transcripts: intron variant (1).
Genome position (GRCh38, 1-based): chr6:75,156,365, T>C on the plus strand (A>G on the coding strand, the complement: COL12A1 is on the minus strand). VCF-style: chr6-75156365-T-C. GRCh37 (hg19) VCF-style: chr6-75866081-T-C.
Other names: c.74-3883A>G (NM_080645.3); short protein forms T1048A.
Identifiers: ClinVar variation 2321983 (VCV002321983.6), dbSNP rs1173204106, ClinGen allele CA364753889.

ClinVar aggregate classification (germline): Uncertain significance. Review status: criteria provided, multiple submitters, no conflicts (2 of 4 stars). 3 submissions from 3 submitters: Uncertain significance (3). Last evaluated 2025-10-13.

Conditions:
Inborn genetic diseases. Identifiers: MedGen C0950123, MeSH D030342.
COL12A1-related disorder. Also called: COL12A1-related condition.
Bethlem myopathy 2 (BTHLM2). Identifiers: Orphanet 536516, Orphanet 610, MedGen C4225313, MONDO:0034022, OMIM 616471.
Ullrich congenital muscular dystrophy 2 (UCMD2). Identifiers: Orphanet 75840, MedGen C4225314, MONDO:0014654, OMIM 616470.

Allele frequency attached by ClinVar (database versions not stated): gnomAD exomes 0.00001; TOPMed below 0.00001; gnomAD 0.00001.
gnomAD v4.1: 4 of 1,613,872 alleles (0.00025%); highest among the groups gnomAD compares: Non-Finnish European, 0.00034%; no homozygotes.

Submissions (3):

Labcorp Genetics (formerly Invitae), Labcorp
Classification: Uncertain significance for Bethlem myopathy 2; Ullrich congenital muscular dystrophy 2. Last evaluated: 2025-10-13. Review status: criteria provided, single submitter. Criteria: Invitae Variant Classification Sherloc (09022015). Collection method: clinical testing. Allele origin: germline.
Comment: This sequence change replaces threonine, which is neutral and polar, with alanine, which is neutral and non-polar, at codon 1048 of the COL12A1 protein (p.Thr1048Ala). This variant is not present in population databases (gnomAD no frequency). This variant has not been reported in the literature in individuals affected with COL12A1-related conditions. ClinVar contains an entry for this variant (Variation ID: 2321983). Invitae Evidence Modeling of protein sequence and biophysical properties (such as structural, functional, and spatial information, amino acid conservation, physicochemical variation, residue mobility, and thermodynamic stability) indicates that this missense variant is not expected to disrupt COL12A1 protein function with a negative predictive value of 80%. In summary, the available evidence is currently insufficient to determine the role of this variant in disease. Therefore, it has been classified as a Variant of Uncertain Significance.

PreventionGenetics, part of Exact Sciences
Classification: Uncertain significance for COL12A1-related condition. Last evaluated: 2023-05-01. Review status: criteria provided, single submitter. Criteria: ACMG Guidelines, 2015. Collection method: clinical testing. Allele origin: germline.
Comment: The COL12A1 c.3142A>G variant is predicted to result in the amino acid substitution p.Thr1048Ala. To our knowledge, this variant has not been reported in the literature or in a large population database, indicating this variant is rare. At this time, the clinical significance of this variant is uncertain due to the absence of conclusive functional and genetic evidence.

Ambry Genetics
Classification: Uncertain significance for Inborn genetic diseases. Last evaluated: 2022-11-01. Review status: criteria provided, single submitter. Criteria: Ambry Variant Classification Scheme 2023. Collection method: clinical testing. Allele origin: germline.